The following is an entry in ClinVar:

NM_000096.4(CP):c.1104G>C (p.Gly368=)

Gene: CP (ceruloplasmin; minus strand). Cytogenetic location: 3q25.1.
Variant type: single nucleotide variant.
Coding change: c.1104G>C on transcript NM_000096.4 (MANE Select); coding-DNA position 1104, G replaced by C.
Protein change: p.Gly368=; no amino-acid change (glycine 368 retained).
Molecular consequence: synonymous variant. On other transcripts: non-coding transcript variant (1).
Genome position (GRCh38, 1-based): chr3:149,206,272, C>G on the plus strand (G>C on the coding strand, the complement: CP is on the minus strand). VCF-style: chr3-149206272-C-G. GRCh37 (hg19) VCF-style: chr3-148924059-C-G.
Other names: p.Gly368=.
Identifiers: ClinVar variation 343776 (VCV000343776.21), dbSNP rs142503847, ClinGen allele CA2661139.
Genomic context (GRCh38, chr3:149,206,272, plus strand): 5'-AGAGGGAGCATAGTTCCAGATGATTTCCTCAGCGGCAATGTAGTAGTGTCTAACATGCTT[C>G]CCACGGATATTATCCTTTGATGAAGACTTGTTACACTCCTGGACCTGGAAAAAGGCTTGC-3'
Protein context (NP_000087.2, residues 358-378): NKSSSKDNIR[Gly368=]KHVRHYYIAA

ClinVar aggregate classification (germline): Conflicting classifications of pathogenicity. Review status: criteria provided, conflicting classifications (1 of 4 stars). 7 submissions from 7 submitters: Uncertain significance (1); Likely benign (3). 3 of the submissions do not count toward it. Last evaluated 2025-12-15.

Conditions:
CP-related disorder. Also called: CP-related condition.
Deficiency of ferroxidase (ACEP). Also called: Aceruloplasminemia; Ceruloplasmin deficiency; Familial apoceruloplasmin deficiency; Hereditary ceruloplasmin deficiency; Deficiency of ceruloplasmin; NEURODEGENERATION WITH BRAIN IRON ACCUMULATION 10. Identifiers: Orphanet 48818, MedGen C0878682, MONDO:0011426, OMIM 604290, HP:0025498.

Allele frequency attached by ClinVar (database versions not stated): TOPMed 0.00017; gnomAD 0.00021 and 0.00029; ESP Exome Variant Server 0.00038; 1000 Genomes Project 0.00060; 1000 Genomes Project 30x 0.00062.
gnomAD v4.1: 583 of 1,614,018 alleles (0.036%); highest among the groups gnomAD compares: South Asian, 0.23%; 3 homozygotes.

Submissions (7):

Labcorp Genetics (formerly Invitae), Labcorp
Classification: Likely benign for Deficiency of ferroxidase. Last evaluated: 2025-12-15. Review status: criteria provided, single submitter. Criteria: Invitae Variant Classification Sherloc (09022015). Collection method: clinical testing. Allele origin: germline.

Mayo Clinic Laboratories, Mayo Clinic
Classification: Likely benign. Last evaluated: 2025-03-18. Review status: criteria provided, single submitter. Criteria: ACMG Guidelines, 2015. Collection method: clinical testing. Allele origin: germline. Observed: 1 variant allele.
Comment: BS1, BP4, BP7

Blueprint Genetics
Classification: Likely benign. Last evaluated: 2024-11-01. Review status: criteria provided, single submitter. Criteria: ACMG Guidelines, 2015. Collection method: clinical testing. Allele origin: germline.

Illumina Laboratory Services, Illumina
Classification: Uncertain significance for Deficiency of ferroxidase. Last evaluated: 2018-01-12. Review status: criteria provided, single submitter. Criteria: ICSL Variant Classification Criteria 13 December 2019. Collection method: clinical testing. Allele origin: germline.

PreventionGenetics, part of Exact Sciences
Classification: Likely benign for CP-related condition. Last evaluated: 2024-01-19. Review status: no assertion criteria provided. Collection method: clinical testing. Allele origin: germline. Not counted in ClinVar's aggregate classification.
Comment: This variant is classified as likely benign based on ACMG/AMP sequence variant interpretation guidelines (Richards et al. 2015 PMID: 25741868, with internal and published modifications).

Clinical Genetics DNA and cytogenetics Diagnostics Lab, Erasmus MC, Erasmus Medical Center
Classification: Likely benign. Review status: no assertion criteria provided. Collection method: clinical testing. Allele origin: germline. Affected: yes. Study: VKGL Data-share Consensus. Not counted in ClinVar's aggregate classification.

Genome Diagnostics Laboratory, Amsterdam University Medical Center
Classification: Likely benign. Review status: no assertion criteria provided. Collection method: clinical testing. Allele origin: germline. Affected: yes. Study: VKGL Data-share Consensus. Not counted in ClinVar's aggregate classification.